The following is an entry in ClinVar:

ClinVar aggregate classification (germline): Uncertain significance (1 of 4 stars; one submission).

Conditions:
Primary ciliary dyskinesia. Also called: Ciliary dyskinesia. Identifiers: Orphanet 244, MedGen C0008780, MONDO:0016575, HP:0012265.

Allele frequency attached by ClinVar (database versions not stated): gnomAD exomes below 0.00001.
gnomAD v4.1: 1 of 1,614,182 alleles (0.000062%); highest among the groups gnomAD compares: East Asian, 0.0022%; no homozygotes.

Submission:

Ambry Genetics
Classification: Uncertain significance for Primary ciliary dyskinesia. Last evaluated: 2022-09-26. Review status: criteria provided, single submitter. Criteria: Ambry Variant Classification Scheme 2023. Collection method: clinical testing. Allele origin: germline.
Comment: The p.T2578N variant (also known as c.7733C>A), located in coding exon 46 of the DNAH5 gene, results from a C to A substitution at nucleotide position 7733. The threonine at codon 2578 is replaced by asparagine, an amino acid with similar properties. This amino acid position is conserved. In addition, this alteration is predicted to be tolerated by in silico analysis. Since supporting evidence is limited at this time, the clinical significance of this alteration remains unclear.

NM_001369.3(DNAH5):c.7733C>A (p.Thr2578Asn)

Gene: DNAH5 (dynein axonemal heavy chain 5; minus strand). Cytogenetic location: 5p15.2.
Variant type: single nucleotide variant.
Coding change: c.7733C>A on transcript NM_001369.3 (MANE Select); coding-DNA position 7733, C replaced by A.
Protein change: p.Thr2578Asn; replaces threonine 2578 with asparagine.
Molecular consequence: missense variant.
Genome position (GRCh38, 1-based): chr5:13,809,063, G>T on the plus strand (C>A on the coding strand, the complement: DNAH5 is on the minus strand). VCF-style: chr5-13809063-G-T. GRCh37 (hg19) VCF-style: chr5-13809172-G-T.
Other names: short protein forms T2578N.
Identifiers: ClinVar variation 1760366 (VCV001760366.2), dbSNP rs2546800503, ClinGen allele CA359229567.